The following is an entry in ClinVar:

ClinVar aggregate classification (germline): Pathogenic/Likely pathogenic. Review status: criteria provided, multiple submitters, no conflicts (2 of 4 stars). 3 submissions from 3 submitters: Pathogenic (2); Likely pathogenic (1). Last evaluated 2025-12-11.

Conditions:
Achromatopsia 2 (ACHM2). Also called: COLORBLINDNESS, TOTAL; ROD MONOCHROMACY 2; ROD MONOCHROMATISM 2. Identifiers: Orphanet 49382, MedGen C1857618, MONDO:0009003, OMIM 216900.

Allele frequency attached by ClinVar (database versions not stated): gnomAD exomes below 0.00001; gnomAD 0.00001; 1000 Genomes Project 30x 0.00016; 1000 Genomes Project 0.00020.
gnomAD v4.1: 2 of 1,614,030 alleles (0.00012%); highest among the groups gnomAD compares: East Asian, 0.0045%; no homozygotes.

Submissions (3):

Medical and Scientific Branch, Hong Kong Genome Institute
Classification: Likely pathogenic for Achromatopsia 2. Last evaluated: 2025-12-11. Review status: criteria provided, single submitter. Criteria: ACMG Guidelines, 2015. Collection method: clinical testing. Allele origin: germline. Affected: yes.

Labcorp Genetics (formerly Invitae), Labcorp
Classification: Pathogenic. Last evaluated: 2024-11-05. Review status: criteria provided, single submitter. Criteria: Invitae Variant Classification Sherloc (09022015). Collection method: clinical testing. Allele origin: germline.
Comment: This sequence change falls in intron 4 of the CNGA3 gene. It does not directly change the encoded amino acid sequence of the CNGA3 protein. This variant is not present in population databases (gnomAD no frequency). This variant has been observed in individuals with cone-rod dystrophy (PMID: 24903488). It has also been observed to segregate with disease in related individuals. ClinVar contains an entry for this variant (Variation ID: 2734247). Algorithms developed to predict the effect of sequence changes on RNA splicing suggest that this variant may disrupt the consensus splice site. For these reasons, this variant has been classified as Pathogenic.

Fulgent Genetics
Classification: Pathogenic for Achromatopsia 2. Last evaluated: 2024-03-04. Review status: criteria provided, single submitter. Criteria: ACMG Guidelines, 2015. Collection method: clinical testing. Allele origin: germline.

Literature cited by the submitters: PubMed 24903488 (cited by Labcorp Genetics (formerly Invitae), Labcorp).

NM_001298.3(CNGA3):c.396-11C>G

Gene: CNGA3 (cyclic nucleotide gated channel subunit alpha 3; plus strand). Cytogenetic location: 2q11.2.
Variant type: single nucleotide variant.
Coding change: c.396-11C>G on transcript NM_001298.3 (MANE Select); 11 bases into the intron before coding-DNA position 396, C replaced by G.
Molecular consequence: intron variant.
Genome position (GRCh38, 1-based): chr2:98,383,377, C>G. VCF-style: chr2-98383377-C-G. GRCh37 (hg19) VCF-style: chr2-98999840-C-G.
Other names: c.395+3023C>G (NM_001079878.2).
Identifiers: ClinVar variation 2734247 (VCV002734247.5), dbSNP rs545114991, ClinGen allele CA52622208.